The following is an entry in ClinVar:

ClinVar aggregate classification (germline): Benign. Review status: criteria provided, multiple submitters, no conflicts (2 of 4 stars). 3 submissions from 3 submitters: Benign (2). 1 of the submissions does not count toward it. Last evaluated 2019-10-17.

Conditions:
KDM6B-related disorder. Also called: KDM6B-related condition.

Allele frequency attached by ClinVar (database versions not stated): 1000 Genomes Project 30x 0.18613; 1000 Genomes Project 0.18710; TOPMed 0.34811; ESP Exome Variant Server 0.41080.
gnomAD v4.1: 767,939 of 1,579,842 alleles (49%); highest among the groups gnomAD compares: Non-Finnish European, 57%; 207,613 homozygotes.

Submissions (3):

GeneDx
Classification: Benign. Last evaluated: 2019-10-17. Review status: criteria provided, single submitter. Criteria: GeneDx Variant Classification Process June 2021. Collection method: clinical testing. Allele origin: germline. Affected: yes.

Breakthrough Genomics
Classification: Benign. Review status: criteria provided, single submitter. Criteria: ACMG Guidelines, 2015. Collection method: not provided. Allele origin: germline. Inheritance: Autosomal dominant inheritance. Affected: yes.

PreventionGenetics, part of Exact Sciences
Classification: Benign for KDM6B-related condition. Last evaluated: 2019-10-16. Review status: no assertion criteria provided. Collection method: clinical testing. Allele origin: germline. Not counted in ClinVar's aggregate classification.
Comment: This variant is classified as benign based on ACMG/AMP sequence variant interpretation guidelines (Richards et al. 2015 PMID: 25741868, with internal and published modifications).

NM_001348716.2(KDM6B):c.4044G>A (p.Leu1348=)

Genes: KDM6B (lysine demethylase 6B; plus strand), LOC121587574 (Sharpr-MPRA regulatory region 3930; plus strand). Cytogenetic location: 17p13.1.
Variant type: single nucleotide variant.
Coding change: c.4044G>A on transcript NM_001348716.2 (MANE Select); coding-DNA position 4044, G replaced by A.
Protein change: p.Leu1348=; no amino-acid change (leucine 1348 retained).
Molecular consequence: synonymous variant.
Genome position (GRCh38, 1-based): chr17:7,851,675, G>A. VCF-style: chr17-7851675-G-A. GRCh37 (hg19) VCF-style: chr17-7754993-G-A.
Other names: c.4044G>A, p.Leu1348= (NM_001080424.2).
Identifiers: ClinVar variation 1257148 (VCV001257148.5), dbSNP rs12939056, ClinGen allele CA8361355.